The following is an entry in ClinVar:

ClinVar aggregate classification (germline): Uncertain significance (1 of 4 stars; one submission).

Submission:

GeneDx
Classification: Uncertain significance. Last evaluated: 2023-10-18. Review status: criteria provided, single submitter. Criteria: GeneDx Variant Classification Process June 2021. Collection method: clinical testing. Allele origin: germline. Affected: yes.
Comment: Not observed at significant frequency in large population cohorts (gnomAD); In silico analysis supports that this missense variant does not alter protein structure/function; Has not been previously published as pathogenic or benign to our knowledge

NM_001368894.2(PAX6):c.1094C>A (p.Thr365Asn)

Gene: PAX6 (paired box 6; minus strand). Cytogenetic location: 11p13.
Variant type: single nucleotide variant.
Coding change: c.1094C>A on transcript NM_001368894.2 (MANE Select); coding-DNA position 1094, C replaced by A.
Protein change: p.Thr365Asn; replaces threonine 365 with asparagine.
Molecular consequence: missense variant. On other transcripts: non-coding transcript variant (1), intron variant (9).
Genome position (GRCh38, 1-based): chr11:31,790,841, G>T on the plus strand (C>A on the coding strand, the complement: PAX6 is on the minus strand). VCF-style: chr11-31790841-G-T. GRCh37 (hg19) VCF-style: chr11-31812389-G-T.
Other names: c.1052C>A, p.Thr351Asn (NM_000280.6, NM_001127612.3, NM_001258464.2 and 6 more transcripts); c.1094C>A, p.Thr365Asn (NM_001258462.3, NM_001258463.2, NM_001310158.2 and 3 more transcripts); c.644C>A, p.Thr215Asn (NM_001310160.2, NM_001310161.3, NM_001368899.2 and 10 more transcripts); c.1295C>A, p.Thr432Asn (NM_001368910.2); c.1169C>A, p.Thr390Asn (NM_001368918.2, NM_001368919.2); c.1127C>A, p.Thr376Asn (NM_001368920.2); c.893C>A, p.Thr298Asn (NM_001368922.2, NM_001368923.2, NM_001368924.2 and 3 more transcripts); c.851C>A, p.Thr284Asn (NM_001368928.2); and 6 more; short protein forms T365N, T376N, T390N, T432N, T150N, T215N, T284N, T298N.
Identifiers: ClinVar variation 3342556 (VCV003342556.1).